The following is an entry in ClinVar:

NM_021629.4(GNB4):c.521C>T (p.Ala174Val)

Gene: GNB4 (G protein subunit beta 4; minus strand). Cytogenetic location: 3q26.33.
Variant type: single nucleotide variant.
Coding change: c.521C>T on transcript NM_021629.4 (MANE Select); coding-DNA position 521, C replaced by T.
Protein change: p.Ala174Val; replaces alanine 174 with valine.
Molecular consequence: missense variant.
Genome position (GRCh38, 1-based): chr3:179,413,590, G>A on the plus strand (C>T on the coding strand, the complement: GNB4 is on the minus strand). VCF-style: chr3-179413590-G-A. GRCh37 (hg19) VCF-style: chr3-179131378-G-A.
Other names: short protein forms A174V.
Identifiers: ClinVar variation 1436968 (VCV001436968.8), dbSNP rs1714712618, ClinGen allele CA355469631.

ClinVar aggregate classification (germline): Uncertain significance (1 of 4 stars; one submission).

Conditions:
Charcot-Marie-Tooth disease dominant intermediate F. Identifiers: Orphanet 352670, MedGen C4749463, MONDO:0014074, OMIM 615185.

Allele frequency attached by ClinVar (database versions not stated): gnomAD exomes below 0.00001.
gnomAD v4.1: 1 of 1,614,130 alleles (0.000062%); highest among the groups gnomAD compares: Admixed American, 0.0017%; no homozygotes.

Submission:

Labcorp Genetics (formerly Invitae), Labcorp
Classification: Uncertain significance for Charcot-Marie-Tooth disease dominant intermediate F. Last evaluated: 2021-05-17. Review status: criteria provided, single submitter. Criteria: Invitae Variant Classification Sherloc (09022015). Collection method: clinical testing. Allele origin: germline.
Comment: In summary, the available evidence is currently insufficient to determine the role of this variant in disease. Therefore, it has been classified as a Variant of Uncertain Significance. Algorithms developed to predict the effect of missense changes on protein structure and function are either unavailable or do not agree on the potential impact of this missense change (SIFT: "Deleterious"; PolyPhen-2: "Benign"; Align-GVGD: "Class C15"). This variant has not been reported in the literature in individuals with GNB4-related conditions. This variant is not present in population databases (ExAC no frequency). This sequence change replaces alanine with valine at codon 174 of the GNB4 protein (p.Ala174Val). The alanine residue is weakly conserved and there is a small physicochemical difference between alanine and valine.